The following is an entry in ClinVar:

ClinVar aggregate classification (germline): Benign. Review status: criteria provided, multiple submitters, no conflicts (2 of 4 stars). 2 submissions from 2 submitters: Benign (2). Last evaluated 2018-01-13.

Conditions:
Retinitis pigmentosa (RP). Identifiers: Orphanet 791, MedGen C0035334, MeSH D012174, MONDO:0019200, OMIM 268000. Inheritance: Autosomal dominant, autosomal recessive and X linked inheritance.

Allele frequency attached by ClinVar (database versions not stated): 1000 Genomes Project 30x 0.11102; 1000 Genomes Project 0.11142; TOPMed 0.16138; gnomAD 0.16620 and 0.16764; gnomAD exomes 0.18107 and 0.20132; ExAC 0.18908.

Submissions (2):

Illumina Laboratory Services, Illumina
Classification: Benign for Retinitis pigmentosa. Last evaluated: 2018-01-13. Review status: criteria provided, single submitter. Criteria: ICSL Variant Classification Criteria 13 December 2019. Collection method: clinical testing. Allele origin: germline.
Comment: This variant was observed in the ICSL laboratory as part of a predisposition screen in an ostensibly healthy population. It had not been previously curated by ICSL or reported in the Human Gene Mutation Database (HGMD: prior to June 1st, 2018), and was therefore a candidate for classification through an automated scoring system. Utilizing variant allele frequency, disease prevalence and penetrance estimates, and inheritance mode, an automated score was calculated to assess if this variant is too frequent to cause the disease. Based on the score and internal cut-off values, a variant classified as benign is not then subjected to further curation. The score for this variant resulted in a classification of benign for this disease.

Breakthrough Genomics
Classification: Benign. Review status: criteria provided, single submitter. Criteria: ACMG Guidelines, 2015. Collection method: not provided. Allele origin: germline. Inheritance: Unknown mechanism. Affected: yes.

NM_001201543.2(FAM161A):c.*311A>C

Gene: FAM161A (FAM161 centrosomal protein A; minus strand). Cytogenetic location: 2p15.
Variant type: single nucleotide variant.
Coding change: c.*311A>C on transcript NM_001201543.2 (MANE Select); 311 bases downstream of the stop codon, A replaced by C.
Molecular consequence: 3 prime UTR variant. On other transcripts: non-coding transcript variant (1).
Genome position (GRCh38, 1-based): chr2:61,826,144, T>G on the plus strand (A>C on the coding strand, the complement: FAM161A is on the minus strand). VCF-style: chr2-61826144-T-G. GRCh37 (hg19) VCF-style: chr2-62053279-T-G.
Other names: c.*311A>C (NM_032180.3).
Identifiers: ClinVar variation 336726 (VCV000336726.6), dbSNP rs62148138, ClinGen allele CA1678897.